The following is an entry in ClinVar:

NM_000211.5(ITGB2):c.1024G>A (p.Val342Met)

Gene: ITGB2 (integrin subunit beta 2; minus strand). Cytogenetic location: 21q22.3.
Variant type: single nucleotide variant.
Coding change: c.1024G>A on transcript NM_000211.5 (MANE Select); coding-DNA position 1024, G replaced by A.
Protein change: p.Val342Met; replaces valine 342 with methionine.
Molecular consequence: missense variant.
Genome position (GRCh38, 1-based): chr21:44,895,030, C>T on the plus strand (G>A on the coding strand, the complement: ITGB2 is on the minus strand). VCF-style: chr21-44895030-C-T. GRCh37 (hg19) VCF-style: chr21-46314945-C-T.
Other names: c.1024G>A, p.Val342Met (NM_001127491.3); c.817G>A, p.Val273Met (NM_001303238.2); c.1024G>A (NM_000211.3); short protein forms V273M, V342M.
Identifiers: ClinVar variation 1023644 (VCV001023644.10), dbSNP rs759487369, ClinGen allele CA10062956.

ClinVar aggregate classification (germline): Uncertain significance. Review status: criteria provided, multiple submitters, no conflicts (2 of 4 stars). 3 submissions from 3 submitters: Uncertain significance (3). Last evaluated 2024-06-09.

Conditions:
Leukocyte adhesion deficiency 1 (LAD1). Also called: LEUKOCYTE ADHESION DEFICIENCY, TYPE I; LAD 1; Lymphocyte function-associated antigen 1 immunodeficiency; LFA 1 immunodeficiency. Identifiers: Orphanet 2968, Orphanet 99842, MedGen C0398738, MONDO:0007293, OMIM 116920.
Inborn genetic diseases. Identifiers: MedGen C0950123, MeSH D030342.

Allele frequency attached by ClinVar (database versions not stated): TOPMed 0.00001; ExAC 0.00002; gnomAD exomes 0.00002.

Submissions (3):

Labcorp Genetics (formerly Invitae), Labcorp
Classification: Uncertain significance for Leukocyte adhesion deficiency 1. Last evaluated: 2024-06-09. Review status: criteria provided, single submitter. Criteria: Invitae Variant Classification Sherloc (09022015). Collection method: clinical testing. Allele origin: germline.
Comment: This sequence change replaces valine, which is neutral and non-polar, with methionine, which is neutral and non-polar, at codon 342 of the ITGB2 protein (p.Val342Met). This variant is present in population databases (rs759487369, gnomAD 0.007%). This variant has not been reported in the literature in individuals affected with ITGB2-related conditions. ClinVar contains an entry for this variant (Variation ID: 1023644). Advanced modeling of protein sequence and biophysical properties (such as structural, functional, and spatial information, amino acid conservation, physicochemical variation, residue mobility, and thermodynamic stability) has been performed at Invitae for this missense variant, however the output from this modeling did not meet the statistical confidence thresholds required to predict the impact of this variant on ITGB2 protein function. In summary, the available evidence is currently insufficient to determine the role of this variant in disease. Therefore, it has been classified as a Variant of Uncertain Significance.

Blueprint Genetics
Classification: Uncertain significance. Last evaluated: 2023-08-10. Review status: criteria provided, single submitter. Criteria: ACMG Guidelines, 2015. Collection method: clinical testing. Allele origin: germline.

Ambry Genetics
Classification: Uncertain significance for Inborn genetic diseases. Last evaluated: 2021-12-13. Review status: criteria provided, single submitter. Criteria: Ambry Variant Classification Scheme 2023. Collection method: clinical testing. Allele origin: germline.